The following is an entry in ClinVar:

NM_007194.4(CHEK2):c.902T>G (p.Leu301Trp)

Gene: CHEK2 (checkpoint kinase 2; minus strand). Cytogenetic location: 22q12.1.
Variant type: single nucleotide variant.
Coding change: c.902T>G on transcript NM_007194.4 (MANE Select); coding-DNA position 902, T replaced by G.
Protein change: p.Leu301Trp; replaces leucine 301 with tryptophan.
Molecular consequence: missense variant.
Genome position (GRCh38, 1-based): chr22:28,703,511, A>C on the plus strand (T>G on the coding strand, the complement: CHEK2 is on the minus strand). VCF-style: chr22-28703511-A-C. GRCh37 (hg19) VCF-style: chr22-29099499-A-C.
Other names: c.1031T>G, p.Leu344Trp (NM_001005735.3); c.239T>G, p.Leu80Trp (NM_001257387.3); c.701T>G, p.Leu234Trp (NM_001349956.3); c.902T>G, p.Leu301Trp (NM_145862.3); short protein forms L301W, L234W, L344W, L80W.
Identifiers: ClinVar variation 491654 (VCV000491654.15), dbSNP rs886039739, ClinGen allele CA411100938.

ClinVar aggregate classification (germline): Uncertain significance. Review status: criteria provided, multiple submitters, no conflicts (2 of 4 stars). 4 submissions from 4 submitters: Uncertain significance (4). Last evaluated 2026-03-25.

Conditions:
Hereditary cancer-predisposing syndrome. Also called: Tumor predisposition; Hereditary neoplastic syndrome; Neoplastic Syndromes, Hereditary; Hereditary Cancer Syndrome. Identifiers: Orphanet 140162, MedGen C0027672, MeSH D009386, MONDO:0015356.
Familial cancer of breast. Also called: hereditary breast carcinoma; Hereditary breast cancer; BREAST CANCER, FAMILIAL. Identifiers: Orphanet 227535, MedGen C0346153, MONDO:0016419, OMIM 114480. Disease mechanism: loss of function.

Submissions (4):

Ambry Genetics
Classification: Uncertain significance for Hereditary cancer-predisposing syndrome. Last evaluated: 2026-03-25. Review status: criteria provided, single submitter. Criteria: Ambry Variant Classification Scheme 2023. Collection method: clinical testing. Allele origin: germline.
Comment: The p.L301W variant (also known as c.902T>G), located in coding exon 7 of the CHEK2 gene, results from a T to G substitution at nucleotide position 902. The leucine at codon 301 is replaced by tryptophan, an amino acid with similar properties. This amino acid position is highly conserved in available vertebrate species. In addition, this alteration is predicted to be deleterious by in silico analysis. Based on the available evidence, the clinical significance of this variant remains unclear.

Labcorp Genetics (formerly Invitae), Labcorp
Classification: Uncertain significance for Familial cancer of breast. Last evaluated: 2022-10-09. Review status: criteria provided, single submitter. Criteria: Invitae Variant Classification Sherloc (09022015). Collection method: clinical testing. Allele origin: germline.
Comment: In summary, the available evidence is currently insufficient to determine the role of this variant in disease. Therefore, it has been classified as a Variant of Uncertain Significance. Algorithms developed to predict the effect of missense changes on protein structure and function are either unavailable or do not agree on the potential impact of this missense change (SIFT: "Deleterious"; PolyPhen-2: "Probably Damaging"; Align-GVGD: "Class C0"). ClinVar contains an entry for this variant (Variation ID: 491654). This variant has not been reported in the literature in individuals affected with CHEK2-related conditions. This variant is not present in population databases (gnomAD no frequency). This sequence change replaces leucine, which is neutral and non-polar, with tryptophan, which is neutral and slightly polar, at codon 301 of the CHEK2 protein (p.Leu301Trp).

Color Diagnostics, LLC DBA Color Health
Classification: Uncertain significance for Hereditary cancer-predisposing syndrome. Last evaluated: 2018-12-20. Review status: criteria provided, single submitter. Criteria: ACMG Guidelines, 2015. Collection method: clinical testing. Allele origin: germline.

GeneKor MSA
Classification: Uncertain significance for Hereditary cancer-predisposing syndrome. Last evaluated: 2018-08-01. Review status: criteria provided, single submitter. Criteria: ACMG Guidelines, 2015. Collection method: clinical testing. Allele origin: germline. Affected: yes.